The following is an entry in ClinVar:

NM_001379451.1(BCORL1):c.2075A>G (p.Glu692Gly)

Gene: BCORL1 (BCL6 corepressor like 1; plus strand). Cytogenetic location: Xq26.1.
Variant type: single nucleotide variant.
Coding change: c.2075A>G on transcript NM_001379451.1 (MANE Select); coding-DNA position 2075, A replaced by G.
Protein change: p.Glu692Gly; replaces glutamic acid 692 with glycine.
Molecular consequence: missense variant.
Genome position (GRCh38, 1-based): chrX:130,014,847, A>G. VCF-style: chrX-130014847-A-G. GRCh37 (hg19) VCF-style: chrX-129148823-A-G.
Other names: c.2075A>G, p.Glu692Gly (NM_001184772.3, NM_001379450.1, NM_021946.5); short protein forms E692G.
Identifiers: ClinVar variation 3389903 (VCV003389903.14).

ClinVar aggregate classification (germline): Likely benign (1 of 4 stars; one submission).

gnomAD v4.1: 16 of 1,208,979 alleles (0.0013%); highest among the groups gnomAD compares: Non-Finnish European, 0.0018%; no homozygotes.

Submission:

CeGaT Center for Human Genetics Tuebingen
Classification: Likely benign. Last evaluated: 2024-10-01. Review status: criteria provided, single submitter. Criteria: CeGaT Center For Human Genetics Tuebingen Variant Classification Criteria Version 2. Collection method: clinical testing. Allele origin: germline. Affected: yes. Observed: 1 variant allele.
Comment: BCORL1: BS2